The following is an entry in ClinVar:

NM_033159.4(HYAL1):c.529G>A (p.Gly177Arg)

Gene: HYAL1 (hyaluronidase 1; minus strand). Cytogenetic location: 3p21.31.
Variant type: single nucleotide variant.
Coding change: c.529G>A on transcript NM_033159.4 (MANE Select); coding-DNA position 529, G replaced by A.
Protein change: p.Gly177Arg; replaces glycine 177 with arginine.
Molecular consequence: missense variant. On other transcripts: 5 prime UTR variant (1), non-coding transcript variant (1), intron variant (1).
Genome position (GRCh38, 1-based): chr3:50,302,428, C>T on the plus strand (G>A on the coding strand, the complement: HYAL1 is on the minus strand). VCF-style: chr3-50302428-C-T. GRCh37 (hg19) VCF-style: chr3-50339859-C-T.
Other names: c.529G>A, p.Gly177Arg (NM_153281.2, NM_153282.3); c.-18G>A (NM_153283.3); c.-26-223G>A (NM_153285.3); short protein forms G177R.
Identifiers: ClinVar variation 3701457 (VCV003701457.2).

ClinVar aggregate classification (germline): Uncertain significance (1 of 4 stars; one submission).

Conditions:
Deficiency of hyaluronoglucosaminidase (MPS9). Also called: MPS IX; Mucopolysaccharidosis type 9; HYALURONIDASE DEFICIENCY. Identifiers: Orphanet 67041, MedGen C1291490, MONDO:0011093, OMIM 601492.

Submission:

Labcorp Genetics (formerly Invitae), Labcorp
Classification: Uncertain significance for Deficiency of hyaluronoglucosaminidase. Last evaluated: 2024-02-18. Review status: criteria provided, single submitter. Criteria: Invitae Variant Classification Sherloc (09022015). Collection method: clinical testing. Allele origin: germline.
Comment: This sequence change replaces glycine, which is neutral and non-polar, with arginine, which is basic and polar, at codon 177 of the HYAL1 protein (p.Gly177Arg). This variant is present in population databases (no rsID available, gnomAD 0.007%). This variant has not been reported in the literature in individuals affected with HYAL1-related conditions. Algorithms developed to predict the effect of missense changes on protein structure and function output the following: SIFT: "Not Available"; PolyPhen-2: "Benign"; Align-GVGD: "Not Available". The arginine amino acid residue is found in multiple mammalian species, which suggests that this missense change does not adversely affect protein function. In summary, the available evidence is currently insufficient to determine the role of this variant in disease. Therefore, it has been classified as a Variant of Uncertain Significance.